The following is an entry in ClinVar:

ClinVar aggregate classification (germline): Uncertain significance. Review status: criteria provided, multiple submitters, no conflicts (2 of 4 stars). 3 submissions from 3 submitters: Uncertain significance (3). Last evaluated 2026-07-10.

Conditions:
COL9A1-related disorder. Also called: COL9A1-related disorders; COL9A1-related condition.
Stickler syndrome. Identifiers: Orphanet 828, MedGen C0265253, MONDO:0019354.

Allele frequency attached by ClinVar (database versions not stated): ExAC 0.00002; TOPMed 0.00002; gnomAD 0.00003 and 0.00004; gnomAD exomes 0.00004.
gnomAD v4.1: 58 of 1,614,070 alleles (0.0036%); highest among the groups gnomAD compares: Admixed American, 0.017%; no homozygotes.

Submissions (3):

PreventionGenetics, part of Exact Sciences
Classification: Uncertain significance for COL9A1-related condition. Last evaluated: 2026-07-10. Review status: criteria provided, single submitter. Criteria: ACMG Guidelines, 2015. Collection method: clinical testing. Allele origin: germline.
Comment: The COL9A1 c.6G>T variant is predicted to result in the amino acid substitution p.Lys2Asn. This variant was reported in an individual with early-onset high myopia (eoHM) (González-Iglesias et al. 2022. PubMed ID: 35457050). This variant is reported in 0.013% of alleles in individuals of South Asian descent in gnomAD. At this time, the clinical significance of this variant is uncertain due to the absence of conclusive functional and genetic evidence.

Labcorp Genetics (formerly Invitae), Labcorp
Classification: Uncertain significance. Last evaluated: 2022-09-27. Review status: criteria provided, single submitter. Criteria: Invitae Variant Classification Sherloc (09022015). Collection method: clinical testing. Allele origin: germline.
Comment: This sequence change replaces lysine, which is basic and polar, with asparagine, which is neutral and polar, at codon 2 of the COL9A1 protein (p.Lys2Asn). This variant is present in population databases (rs775789844, gnomAD 0.01%). This variant has not been reported in the literature in individuals affected with COL9A1-related conditions. ClinVar contains an entry for this variant (Variation ID: 1006976). Advanced modeling of protein sequence and biophysical properties (such as structural, functional, and spatial information, amino acid conservation, physicochemical variation, residue mobility, and thermodynamic stability) performed at Invitae indicates that this missense variant is not expected to disrupt COL9A1 protein function. In summary, the available evidence is currently insufficient to determine the role of this variant in disease. Therefore, it has been classified as a Variant of Uncertain Significance.

Department of Pathology and Laboratory Medicine, Sinai Health System
Classification: Uncertain significance for Stickler syndrome. Last evaluated: 2022-05-26. Review status: criteria provided, single submitter. Criteria: ACMG Guidelines, 2015. Collection method: research. Allele origin: germline.

NM_001851.6(COL9A1):c.6G>T (p.Lys2Asn)

Gene: COL9A1 (collagen type IX alpha 1 chain; minus strand). Cytogenetic location: 6q13.
Variant type: single nucleotide variant.
Coding change: c.6G>T on transcript NM_001851.6 (MANE Select); coding-DNA position 6, G replaced by T.
Protein change: p.Lys2Asn; replaces lysine 2 with asparagine.
Molecular consequence: missense variant.
Genome position (GRCh38, 1-based): chr6:70,302,919, C>A on the plus strand (G>T on the coding strand, the complement: COL9A1 is on the minus strand). VCF-style: chr6-70302919-C-A. GRCh37 (hg19) VCF-style: chr6-71012622-C-A.
Other names: c.6G>T (NM_001851.4); c.6G>T, p.Lys2Asn (NM_001377291.1); short protein forms K2N.
Identifiers: ClinVar variation 1006976 (VCV001006976.6), dbSNP rs775789844, ClinGen allele CA3882997.